The following is an entry in ClinVar:

NM_001379081.2(FREM1):c.2703C>G (p.Cys901Trp)

Genes: FREM1 (FRAS1 related extracellular matrix 1; minus strand), LOC126860582 (P300/CBP strongly-dependent group 1 enhancer GRCh37_chr9:14812530-14813729; plus strand). Cytogenetic location: 9p22.3.
Variant type: single nucleotide variant.
Coding change: c.2703C>G on transcript NM_001379081.2 (MANE Select); coding-DNA position 2703, C replaced by G.
Protein change: p.Cys901Trp; replaces cysteine 901 with tryptophan.
Molecular consequence: missense variant. On other transcripts: non-coding transcript variant (2).
Genome position (GRCh38, 1-based): chr9:14,813,002, G>C on the plus strand (C>G on the coding strand, the complement: FREM1 is on the minus strand). VCF-style: chr9-14813002-G-C. GRCh37 (hg19) VCF-style: chr9-14813000-G-C.
Other names: c.2703C>G, p.Cys901Trp (NM_144966.7); short protein forms C901W.
Identifiers: ClinVar variation 3657103 (VCV003657103.2).
Genomic context (GRCh38, chr9:14,813,002, plus strand): 5'-GCTGTCCACATCAGTAGCAAAAATGTATTCAGAGGTGATGACCACCTCTCCTCCCTCTGA[G>C]CAATTCATGACAGGCATGAGGTCAGCCTTTAAGACTGGTGGCTCATCGTTGACAGGGAAT-3'
Protein context (NP_001366010.1, residues 891-911): LKADLMPVMN[Cys901Trp]SEGGEVVITS

ClinVar aggregate classification (germline): Uncertain significance (1 of 4 stars; one submission).

Submission:

Labcorp Genetics (formerly Invitae), Labcorp
Classification: Uncertain significance. Last evaluated: 2024-06-20. Review status: criteria provided, single submitter. Criteria: Invitae Variant Classification Sherloc (09022015). Collection method: clinical testing. Allele origin: germline.
Comment: This sequence change replaces cysteine, which is neutral and slightly polar, with tryptophan, which is neutral and slightly polar, at codon 901 of the FREM1 protein (p.Cys901Trp). This variant is not present in population databases (gnomAD no frequency). This variant has not been reported in the literature in individuals affected with FREM1-related conditions. Advanced modeling of protein sequence and biophysical properties (such as structural, functional, and spatial information, amino acid conservation, physicochemical variation, residue mobility, and thermodynamic stability) performed at Invitae indicates that this missense variant is expected to disrupt FREM1 protein function with a positive predictive value of 80%. In summary, the available evidence is currently insufficient to determine the role of this variant in disease. Therefore, it has been classified as a Variant of Uncertain Significance.